The following is an entry in ClinVar:

ClinVar aggregate classification (germline): Benign/Likely benign. Review status: criteria provided, multiple submitters, no conflicts (2 of 4 stars). 5 submissions from 4 submitters: Benign (2); Likely benign (3). Last evaluated 2026-01-27.

Conditions:
Congenital stationary night blindness autosomal dominant 2. Also called: NIGHT BLINDNESS, CONGENITAL STATIONARY, RAMBUSCH TYPE. Identifiers: Orphanet 215, MedGen C1876182, MONDO:0008099, OMIM 163500.
Retinitis pigmentosa (RP). Identifiers: Orphanet 791, MedGen C0035334, MeSH D012174, MONDO:0019200, OMIM 268000. Inheritance: Autosomal dominant, autosomal recessive and X linked inheritance.

Allele frequency attached by ClinVar (database versions not stated): gnomAD exomes 0.00133 and 0.00326; ExAC 0.00405; 1000 Genomes Project 0.01058; 1000 Genomes Project 30x 0.01077; gnomAD 0.01096 and 0.01153; ESP Exome Variant Server 0.01223; TOPMed 0.01224.
gnomAD v4.1: 3,677 of 1,612,894 alleles (0.23%); highest among the groups gnomAD compares: African/African-American, 3.9%; 74 homozygotes.

Submissions (5):

Labcorp Genetics (formerly Invitae), Labcorp
Classification: Benign. Last evaluated: 2026-01-27. Review status: criteria provided, single submitter. Criteria: Invitae Variant Classification Sherloc (09022015). Collection method: clinical testing. Allele origin: germline.

Illumina Laboratory Services, Illumina
Classification: Benign for Congenital stationary night blindness autosomal dominant 2. Last evaluated: 2018-01-13. Review status: criteria provided, single submitter. Criteria: ICSL Variant Classification Criteria 13 December 2019. Collection method: clinical testing. Allele origin: germline.
Comment: This variant was observed in the ICSL laboratory as part of a predisposition screen in an ostensibly healthy population. It had not been previously curated by ICSL or reported in the Human Gene Mutation Database (HGMD: prior to June 1st, 2018), and was therefore a candidate for classification through an automated scoring system. Utilizing variant allele frequency, disease prevalence and penetrance estimates, and inheritance mode, an automated score was calculated to assess if this variant is too frequent to cause the disease. Based on the score and internal cut-off values, a variant classified as benign is not then subjected to further curation. The score for this variant resulted in a classification of benign for this disease.

Illumina Laboratory Services, Illumina
Classification: Likely benign for Retinitis pigmentosa. Last evaluated: 2018-01-13. Review status: criteria provided, single submitter. Criteria: ICSL Variant Classification Criteria 13 December 2019. Collection method: clinical testing. Allele origin: germline.
Comment: This variant was observed in the ICSL laboratory as part of a predisposition screen in an ostensibly healthy population. It had not been previously curated by ICSL or reported in the Human Gene Mutation Database (HGMD: prior to June 1st, 2018), and was therefore a candidate for classification through an automated scoring system. Utilizing variant allele frequency, disease prevalence and penetrance estimates, and inheritance mode, an automated score was calculated to assess if this variant is too frequent to cause the disease. Based on the score and internal cut-off values, a variant classified as likely benign is not then subjected to further curation. The score for this variant resulted in a classification of likely benign for this disease.

GeneDx
Classification: Likely benign. Last evaluated: 2017-07-07. Review status: criteria provided, single submitter. Criteria: GeneDx Variant Classification (06012015). Collection method: clinical testing. Allele origin: germline. Affected: yes.
Comment: This variant is considered likely benign or benign based on one or more of the following criteria: it is a conservative change, it occurs at a poorly conserved position in the protein, it is predicted to be benign by multiple in silico algorithms, and/or has population frequency not consistent with disease.

Breakthrough Genomics
Classification: Likely benign. Review status: criteria provided, single submitter. Criteria: ACMG Guidelines, 2015. Collection method: not provided. Allele origin: germline. Inheritance: Autosomal recessive inheritance. Affected: yes.

NM_000283.4(PDE6B):c.2289G>A (p.Lys763=)

Gene: PDE6B (phosphodiesterase 6B; plus strand). Cytogenetic location: 4p16.3.
Variant type: single nucleotide variant.
Coding change: c.2289G>A on transcript NM_000283.4 (MANE Select); coding-DNA position 2289, G replaced by A.
Protein change: p.Lys763=; no amino-acid change (lysine 763 retained).
Molecular consequence: synonymous variant.
Genome position (GRCh38, 1-based): chr4:666,551, G>A. VCF-style: chr4-666551-G-A. GRCh37 (hg19) VCF-style: chr4-660340-G-A.
Other names: c.2289G>A, p.Lys763= (NM_001145291.2); c.1452G>A, p.Lys484= (NM_001145292.2, NM_001350154.3, NM_001379246.1 and 1 more transcripts); c.1134G>A, p.Lys378= (NM_001350155.3).
Identifiers: ClinVar variation 349390 (VCV000349390.16), dbSNP rs61739716, ClinGen allele CA2794995.
Genomic context (GRCh38, chr4:666,551, plus strand): 5'-CCCTGGTCACTGTTCTCCCGCCCTCTGTTCCTCCCACCAGCCTATGATGGACCGGAACAA[G>A]GCGGCCGAGCTCCCCAAGCTGCAAGTGGGCTTCATCGACTTCGTGTGCACATTCGTGTAC-3'
Protein context (NP_000274.3, residues 753-773): QQPIPMMDRN[Lys763=]AAELPKLQVG